The following is an entry in ClinVar:

ClinVar aggregate classification (germline): Conflicting classifications of pathogenicity. Review status: criteria provided, conflicting classifications (1 of 4 stars). 5 submissions from 5 submitters: Uncertain significance (2); Likely benign (1). 2 of the submissions do not count toward it. Last evaluated 2025-07-22.

Conditions:
beta Thalassemia (BTHAL). Also called: Cooley's anemia; Erythroblastic anemia; Mediterranean anemia. Identifiers: Orphanet 848, MedGen C0005283, MONDO:0019402. Disease mechanism: loss of function.
HEMOGLOBIN RALEIGH.

Allele frequency attached by ClinVar (database versions not stated): TOPMed 0.00001; gnomAD exomes below 0.00001.

Submissions (5):

Quest Diagnostics Nichols Institute San Juan Capistrano
Classification: Uncertain significance. Last evaluated: 2025-07-22. Review status: criteria provided, single submitter. Criteria: Quest Diagnostics criteria. Collection method: clinical testing. Allele origin: unknown.
Comment: The HBB c.5T>C (p.Val2Ala) variant has been reported in the published literature in a heterozygous state in individuals with normal a clinical presentation (HbVar, PMID: 8226093 (1993)) and may cause decreased oxygen affinity and dissociation (HbVar). The frequency of this variant in the general population (Genome Aggregation Database) is uninformative in the assessment of its pathogenicity. Analysis of this variant using bioinformatics tools for the prediction of the effect of amino acid changes on protein structure and function yielded predictions that this variant is damaging. Based on the available information, we are unable to determine the clinical significance of this variant.

ARUP Laboratories, Molecular Genetics and Genomics, ARUP Laboratories
Classification: Likely benign. Last evaluated: 2024-05-27. Review status: criteria provided, single submitter. Criteria: ARUP Molecular Germline Variant Investigation Process 2024. Collection method: clinical testing. Allele origin: germline.
Comment: The Hb Raleigh variant (HBB: c.5T>C; p.Val2Ala, also known as Val1Ala when numbered from the mature protein; HbVar ID: 217; rs33949930) has been described in the heterozygous state in asymptomatic individuals with normal hematological parameters (HbVar and references therein). This variant is reported in ClinVar (Variation ID: 15323), and is found on only one chromosome (1/251128 alleles) in the Genome Aggregation Database. The valine at codon 2 is highly conserved and functional studies of this variant protein demonstrate reduced oxygen affinity and dissociation (HbVar and references therein). Additionally, this variant has been reported to interfere with measurements of HbA1c (Sofronescu 2011). Based on available information, this variant is considered to be likely benign. References: Link to HbVar: Sofronescu AG et al. Unexpected hemoglobin A1c results. Clin Chem. 2011 Feb;57(2):153-6. PMID: 21278358.

Women's Health and Genetics/Laboratory Corporation of America, LabCorp
Classification: Uncertain significance. Last evaluated: 2017-11-29. Review status: criteria provided, single submitter. Criteria: LabCorp Variant Classification Summary - May 2015. Collection method: clinical testing. Allele origin: germline.
Comment: Variant summary: The HBB c.5T>C (p.Val2Ala) variant, also known as Hb Raleigh, causes a missense change involving the alteration of a conserved nucleotide and 4/4 in silico tools predict a damaging outcome for this variant (SNPsandGO not captured due to low reliability index). Functional studies showed that Hb Raleigh had a lower oxygen affinity than Hb A throughout the pH range examined but did not affect protein stability (Moo-Penn_1977, Landin_1993). Also, 2,3-diphosphoglycerate and inositol hexaphosphate cofactors addition had less effect on the oxygen affinity of Hb Raleigh than on that of Hb A with chloride ions having the opposite effect. This variant was found in 1/245880 control chromosomes (gnomAD) at a frequency of 0.0000041, which does not exceed the estimated maximal expected allele frequency of a pathogenic HBB variant (0.0111803). This variant is widely regarded as clinically silent variant. It was reported in several individuals with no clinical data (Chen_1998, Thongnoppakhun_2009, Canatan_2016,) or normal hematological values in heterozygosity (Landin_2009), including one report where it was occurring in 5 members of the same family where the proband (compound heterozygous with Hb Russ) had normal hematological values (Moo Penn_1977). In addition, an individual who had this variant in compound heterozygous state with HbS showed no specific features of hemoglobinopathy or beta-thalassemia (Sofronescu_2011). Furthermore, an individual, who was a double heterozygote for this variant and alfa gene deletion (c.a-3.7), was generally healthy but had a mild anemia due to the alfa gene deletion (Jain_2011). This structural variant produces spurious HbA1c measurement depending upon methods used, impeding the use of Hb glycosylation as a means to monitor glucose control in diabetic patients with Hb-Raleigh (Chen_1998, Vandewiele_2010, Sofronescu_2011, Singha_2011, Jain_2011). Taken together, this variant is classified as a VUS-possibly benign.

Natera, Inc.
Classification: Uncertain significance for Beta thalassemia. Last evaluated: 2018-10-24. Review status: no assertion criteria provided. Collection method: clinical testing. Allele origin: germline. Not counted in ClinVar's aggregate classification.

OMIM
Classification: other for HEMOGLOBIN RALEIGH. Last evaluated: 2017-12-12. Review status: no assertion criteria provided. Collection method: literature only. Allele origin: germline. Not counted in ClinVar's aggregate classification.

Literature cited by the submitters: PubMed 8226093 (cited by Quest Diagnostics Nichols Institute San Juan Capistrano and Women's Health and Genetics/Laboratory Corporation of America, LabCorp); PubMed 19460936 (cited by Quest Diagnostics Nichols Institute San Juan Capistrano and Women's Health and Genetics/Laboratory Corporation of America, LabCorp); PubMed 27207683 (cited by Quest Diagnostics Nichols Institute San Juan Capistrano and Women's Health and Genetics/Laboratory Corporation of America, LabCorp); PubMed 9625056 (cited by Quest Diagnostics Nichols Institute San Juan Capistrano and Women's Health and Genetics/Laboratory Corporation of America, LabCorp); PubMed 20942 (cited by Women's Health and Genetics/Laboratory Corporation of America, LabCorp); PubMed 1634360 (cited by OMIM).

NM_000518.5(HBB):c.5T>C (p.Val2Ala)

Genes: HBB (hemoglobin subunit beta; minus strand), LOC106099062 (HBB recombination region; plus strand), LOC107133510 (origin of replication at HBB; plus strand). Cytogenetic location: 11p15.4.
Variant type: single nucleotide variant.
Coding change: c.5T>C on transcript NM_000518.5 (MANE Select); coding-DNA position 5, T replaced by C.
Protein change: p.Val2Ala; replaces valine 2 with alanine.
Molecular consequence: missense variant.
Genome position (GRCh38, 1-based): chr11:5,227,017, A>G on the plus strand (T>C on the coding strand, the complement: HBB is on the minus strand). VCF-style: chr11-5227017-A-G. GRCh37 (hg19) VCF-style: chr11-5248247-A-G.
Other names: V1A; short protein forms V2A.
Identifiers: ClinVar variation 15323 (VCV000015323.18), dbSNP rs33949930, ClinGen allele CA125122.